The following is an entry in ClinVar:

ClinVar aggregate classification (germline): Uncertain significance. Review status: criteria provided, multiple submitters, no conflicts (2 of 4 stars). 2 submissions from 2 submitters: Uncertain significance (2). Last evaluated 2025-08-07.

Conditions:
Hereditary pancreatitis (PCTT). Also called: Hereditary chronic pancreatitis; PRSS1-Related Hereditary Pancreatitis. Identifiers: Orphanet 676, MedGen C0238339, MONDO:0008185, OMIM 167800.

Allele frequency attached by ClinVar (database versions not stated): gnomAD exomes 0.00001; ExAC 0.00002.
gnomAD v4.1: 4 of 1,613,552 alleles (0.00025%); highest among the groups gnomAD compares: East Asian, 0.0067%; no homozygotes.

Submissions (2):

Ambry Genetics
Classification: Uncertain significance for Hereditary pancreatitis. Last evaluated: 2025-08-07. Review status: criteria provided, single submitter. Criteria: Ambry Variant Classification Scheme 2023. Collection method: clinical testing. Allele origin: germline.
Comment: The p.V46L variant (also known as c.136G>C), located in coding exon 3 of the SPINK1 gene, results from a G to C substitution at nucleotide position 136. The valine at codon 46 is replaced by leucine, an amino acid with highly similar properties. This amino acid position is conserved. In addition, the in silico prediction for this alteration is inconclusive. Since supporting evidence is limited at this time, the clinical significance of this alteration remains unclear.

Labcorp Genetics (formerly Invitae), Labcorp
Classification: Uncertain significance for Hereditary pancreatitis. Last evaluated: 2023-08-14. Review status: criteria provided, single submitter. Criteria: Invitae Variant Classification Sherloc (09022015). Collection method: clinical testing. Allele origin: germline.
Comment: ClinVar contains an entry for this variant (Variation ID: 1374546). An algorithm developed to predict the effect of missense changes on protein structure and function (PolyPhen-2) suggests that this variant is likely to be tolerated. In summary, the available evidence is currently insufficient to determine the role of this variant in disease. Therefore, it has been classified as a Variant of Uncertain Significance. This variant has not been reported in the literature in individuals affected with SPINK1-related conditions. This sequence change replaces valine, which is neutral and non-polar, with leucine, which is neutral and non-polar, at codon 46 of the SPINK1 protein (p.Val46Leu). This variant is present in population databases (rs772387015, gnomAD 0.02%).

NM_001379610.1(SPINK1):c.136G>C (p.Val46Leu)

Gene: SPINK1 (serine peptidase inhibitor Kazal type 1; minus strand). Cytogenetic location: 5q32.
Variant type: single nucleotide variant.
Coding change: c.136G>C on transcript NM_001379610.1 (MANE Select); coding-DNA position 136, G replaced by C.
Protein change: p.Val46Leu; replaces valine 46 with leucine.
Molecular consequence: missense variant.
Genome position (GRCh38, 1-based): chr5:147,828,080, C>G on the plus strand (G>C on the coding strand, the complement: SPINK1 is on the minus strand). VCF-style: chr5-147828080-C-G. GRCh37 (hg19) VCF-style: chr5-147207643-C-G.
Other names: c.136G>C, p.Val46Leu (NM_001354966.2, NM_003122.5); short protein forms V46L.
Identifiers: ClinVar variation 1374546 (VCV001374546.11), dbSNP rs772387015, ClinGen allele CA3494786.